The following is an entry in ClinVar:

NM_001376.5(DYNC1H1):c.9589C>G (p.Gln3197Glu)

Gene: DYNC1H1 (dynein cytoplasmic 1 heavy chain 1; plus strand). Cytogenetic location: 14q32.31.
Variant type: single nucleotide variant.
Coding change: c.9589C>G on transcript NM_001376.5 (MANE Select); coding-DNA position 9589, C replaced by G.
Protein change: p.Gln3197Glu; replaces glutamine 3197 with glutamic acid.
Molecular consequence: missense variant.
Genome position (GRCh38, 1-based): chr14:102,029,659, C>G. VCF-style: chr14-102029659-C-G. GRCh37 (hg19) VCF-style: chr14-102495996-C-G.
Other names: short protein forms Q3197E.
Identifiers: ClinVar variation 2694630 (VCV002694630.3), dbSNP rs2503811119, ClinGen allele CA391016015.
Genomic context (GRCh38, chr14:102,029,659, plus strand): 5'-CTGGACTTCATCAATCACTATGCCAACCTGTTCCACGAGAAGCGGAGCGAGCTGGAGGAG[C>G]AGCAGATGCACTTGAACGTGGGGCTCAGGAAGATCAAAGAGACAGTCGACCAGGTGCGTC-3'
Protein context (NP_001367.2, residues 3187-3207): FHEKRSELEE[Gln3197Glu]QMHLNVGLRK

ClinVar aggregate classification (germline): Uncertain significance (1 of 4 stars; one submission).

Conditions:
Charcot-Marie-Tooth disease axonal type 2O. Also called: Charcot-Marie-Tooth disease, axonal, type 20; CHARCOT-MARIE-TOOTH NEUROPATHY, AXONAL, TYPE 2O; CHARCOT-MARIE-TOOTH DISEASE, AXONAL, AUTOSOMAL DOMINANT, TYPE 2O; Charcot-Marie-Tooth Neuropathy Type 2O. Identifiers: Orphanet 284232, MedGen C3280220, MONDO:0013644, OMIM 614228.

Submission:

Labcorp Genetics (formerly Invitae), Labcorp
Classification: Uncertain significance for Charcot-Marie-Tooth disease axonal type 2O. Last evaluated: 2023-11-10. Review status: criteria provided, single submitter. Criteria: Invitae Variant Classification Sherloc (09022015). Collection method: clinical testing. Allele origin: germline.
Comment: This sequence change replaces glutamine, which is neutral and polar, with glutamic acid, which is acidic and polar, at codon 3197 of the DYNC1H1 protein (p.Gln3197Glu). This variant is not present in population databases (gnomAD no frequency). This variant has not been reported in the literature in individuals affected with DYNC1H1-related conditions. Advanced modeling of protein sequence and biophysical properties (such as structural, functional, and spatial information, amino acid conservation, physicochemical variation, residue mobility, and thermodynamic stability) performed at Invitae indicates that this missense variant is not expected to disrupt DYNC1H1 protein function with a negative predictive value of 95%. In summary, the available evidence is currently insufficient to determine the role of this variant in disease. Therefore, it has been classified as a Variant of Uncertain Significance.